The following is an entry in ClinVar:

NM_024408.4(NOTCH2):c.4657A>T (p.Met1553Leu)

Gene: NOTCH2 (notch receptor 2; minus strand). Cytogenetic location: 1p12.
Variant type: single nucleotide variant.
Coding change: c.4657A>T on transcript NM_024408.4 (MANE Select); coding-DNA position 4657, A replaced by T.
Protein change: p.Met1553Leu; replaces methionine 1553 with leucine.
Molecular consequence: missense variant.
Genome position (GRCh38, 1-based): chr1:119,923,839, T>A on the plus strand (A>T on the coding strand, the complement: NOTCH2 is on the minus strand). VCF-style: chr1-119923839-T-A. GRCh37 (hg19) VCF-style: chr1-120466462-T-A.
Other names: short protein forms M1553L.
Identifiers: ClinVar variation 2631206 (VCV002631206.1), dbSNP rs924196962, ClinGen allele CA30318614.

ClinVar aggregate classification (germline): Uncertain significance (1 of 4 stars; one submission).

Conditions:
NOTCH2-related disorder. Also called: NOTCH2-related condition.

Submission:

PreventionGenetics, part of Exact Sciences
Classification: Uncertain significance for NOTCH2-related condition. Last evaluated: 2023-08-13. Review status: criteria provided, single submitter. Criteria: ACMG Guidelines, 2015. Collection method: clinical testing. Allele origin: germline.
Comment: The NOTCH2 c.4657A>T variant is predicted to result in the amino acid substitution p.Met1553Leu. To our knowledge, this variant has not been reported in the literature or in a large population database, indicating this variant is rare. At this time, the clinical significance of this variant is uncertain due to the absence of conclusive functional and genetic evidence.